The following is an entry in ClinVar:

NM_001211.6(BUB1B):c.598G>A (p.Val200Met)

Gene: BUB1B (BUB1 mitotic checkpoint serine/threonine kinase B; plus strand). Cytogenetic location: 15q15.1.
Variant type: single nucleotide variant.
Coding change: c.598G>A on transcript NM_001211.6 (MANE Select); coding-DNA position 598, G replaced by A.
Protein change: p.Val200Met; replaces valine 200 with methionine.
Molecular consequence: missense variant.
Genome position (GRCh38, 1-based): chr15:40,183,730, G>A. VCF-style: chr15-40183730-G-A. GRCh37 (hg19) VCF-style: chr15-40475931-G-A.
Other names: short protein forms V200M.
Identifiers: ClinVar variation 4842709 (VCV004842709.1).

ClinVar aggregate classification (germline): Uncertain significance (1 of 4 stars; one submission).

Conditions:
Inborn genetic diseases. Identifiers: MedGen C0950123, MeSH D030342.

gnomAD v4.1: 1 of 1,614,086 alleles (0.000062%); highest among the groups gnomAD compares: African/African-American, 0.0013%; no homozygotes.

Submission:

Ambry Genetics
Classification: Uncertain significance for Inborn genetic diseases. Last evaluated: 2026-01-05. Review status: criteria provided, single submitter. Criteria: Ambry Variant Classification Scheme 2023. Collection method: clinical testing. Allele origin: germline.
Comment: The p.V200M variant (also known as c.598G>A), located in coding exon 6 of the BUB1B gene, results from a G to A substitution at nucleotide position 598. The valine at codon 200 is replaced by methionine, an amino acid with highly similar properties. This amino acid position is conserved. In addition, this alteration is predicted to be tolerated by in silico analysis. Based on the available evidence, the clinical significance of this variant remains unclear.